The following is an entry in ClinVar:

ClinVar aggregate classification (germline): Uncertain significance. Review status: criteria provided, single submitter (1 of 4 stars). 2 submissions from 2 submitters: Uncertain significance (1). 1 of the submissions does not count toward it. Last evaluated 2019-01-10.

Conditions:
LZTFL1-related disorder. Also called: LZTFL1-related condition.

gnomAD v4.1: 1 of 1,565,024 alleles (0.000064%); highest among the groups gnomAD compares: African/African-American, 0.0014%; no homozygotes.

Submissions (2):

Blueprint Genetics
Classification: Uncertain significance. Last evaluated: 2019-01-10. Review status: criteria provided, single submitter. Criteria: ACMG Guidelines, 2015. Collection method: clinical testing. Allele origin: germline.

PreventionGenetics, part of Exact Sciences
Classification: Likely benign for LZTFL1-related condition. Last evaluated: 2021-06-16. Review status: no assertion criteria provided. Collection method: clinical testing. Allele origin: germline. Not counted in ClinVar's aggregate classification.
Comment: This variant is classified as likely benign based on ACMG/AMP sequence variant interpretation guidelines (Richards et al. 2015 PMID: 25741868, with internal and published modifications).

NM_020347.4(LZTFL1):c.324A>C (p.Arg108=)

Gene: LZTFL1 (leucine zipper transcription factor like 1; minus strand). Cytogenetic location: 3p21.31.
Variant type: single nucleotide variant.
Coding change: c.324A>C on transcript NM_020347.4 (MANE Select); coding-DNA position 324, A replaced by C.
Protein change: p.Arg108=; no amino-acid change (arginine 108 retained).
Molecular consequence: synonymous variant. On other transcripts: non-coding transcript variant (2).
Genome position (GRCh38, 1-based): chr3:45,834,298, T>G on the plus strand (A>C on the coding strand, the complement: LZTFL1 is on the minus strand). VCF-style: chr3-45834298-T-G. GRCh37 (hg19) VCF-style: chr3-45875790-T-G.
Other names: c.273A>C, p.Arg91= (NM_001276378.2, NM_001386451.1, NM_001405922.1 and 4 more transcripts); c.312A>C, p.Arg104= (NM_001276379.2, NM_001405921.1); c.324A>C, p.Arg108= (NM_001386452.1, NM_001405924.1); c.348A>C, p.Arg116= (NM_001405920.1, NM_001405925.1).
Identifiers: ClinVar variation 3355522 (VCV003355522.2).